The following is an entry in ClinVar:

ClinVar aggregate classification (germline): Conflicting classifications of pathogenicity. Review status: criteria provided, conflicting classifications (1 of 4 stars). 2 submissions from 2 submitters: Uncertain significance (1); Likely benign (1). Last evaluated 2025-09-04.

Conditions:
Inborn genetic diseases. Identifiers: MedGen C0950123, MeSH D030342.

Allele frequency attached by ClinVar (database versions not stated): gnomAD exomes 0.00002 and 0.00004; gnomAD 0.00004 and 0.00006; ESP Exome Variant Server 0.00009; TOPMed 0.00009.
gnomAD v4.1: 51 of 1,178,516 alleles (0.0043%); highest among the groups gnomAD compares: East Asian, 0.006%; no homozygotes.

Submissions (2):

Labcorp Genetics (formerly Invitae), Labcorp
Classification: Uncertain significance. Last evaluated: 2025-09-04. Review status: criteria provided, single submitter. Criteria: Invitae Variant Classification Sherloc (09022015). Collection method: clinical testing. Allele origin: germline.
Comment: This sequence change replaces arginine, which is basic and polar, with cysteine, which is neutral and slightly polar, at codon 116 of the POLA1 protein (p.Arg116Cys). The frequency data for this variant in the population databases is considered unreliable, as metrics indicate poor data quality at this position in the gnomAD database. This variant has not been reported in the literature in individuals affected with POLA1-related conditions. ClinVar contains an entry for this variant (Variation ID: 1393965). Invitae Evidence Modeling of protein sequence and biophysical properties (such as structural, functional, and spatial information, amino acid conservation, physicochemical variation, residue mobility, and thermodynamic stability) indicates that this missense variant is not expected to disrupt POLA1 protein function with a negative predictive value of 80%. In summary, the available evidence is currently insufficient to determine the role of this variant in disease. Therefore, it has been classified as a Variant of Uncertain Significance.

Ambry Genetics
Classification: Likely benign for Inborn genetic diseases. Last evaluated: 2022-09-28. Review status: criteria provided, single submitter. Criteria: Ambry Variant Classification Scheme 2023. Collection method: clinical testing. Allele origin: germline.

NM_001330360.2(POLA1):c.364C>T (p.Arg122Cys)

Gene: POLA1 (DNA polymerase alpha 1, catalytic subunit; plus strand). Cytogenetic location: Xp22.11.
Variant type: single nucleotide variant.
Coding change: c.364C>T on transcript NM_001330360.2 (MANE Select); coding-DNA position 364, C replaced by T.
Protein change: p.Arg122Cys; replaces arginine 122 with cysteine.
Molecular consequence: missense variant. On other transcripts: non-coding transcript variant (2).
Genome position (GRCh38, 1-based): chrX:24,714,571, C>T. VCF-style: chrX-24714571-C-T. GRCh37 (hg19) VCF-style: chrX-24732688-C-T.
Other names: c.346C>T (NM_016937.3); c.364C>T, p.Arg122Cys (NM_001378303.1); c.346C>T, p.Arg116Cys (NM_016937.4); short protein forms R122C, R116C.
Identifiers: ClinVar variation 1393965 (VCV001393965.9), dbSNP rs376350416, ClinGen allele CA326893511.